The following is an entry in ClinVar:

NM_145207.3(AFG2A):c.1883A>C (p.Asp628Ala)

Gene: AFG2A (AAA ATPase AFG2A; plus strand). Cytogenetic location: 4q28.1.
Variant type: single nucleotide variant.
Coding change: c.1883A>C on transcript NM_145207.3 (MANE Select); coding-DNA position 1883, A replaced by C.
Protein change: p.Asp628Ala; replaces aspartic acid 628 with alanine.
Molecular consequence: missense variant.
Genome position (GRCh38, 1-based): chr4:123,028,199, A>C. VCF-style: chr4-123028199-A-C. GRCh37 (hg19) VCF-style: chr4-123949354-A-C.
Other names: c.1880A>C, p.Asp627Ala (NM_001317799.2, NM_001345856.2); short protein forms D627A, D628A.
Identifiers: ClinVar variation 1522902 (VCV001522902.6), dbSNP rs768528444, ClinGen allele CA358102207.

ClinVar aggregate classification (germline): Likely pathogenic (1 of 4 stars; one submission).

Conditions:
Microcephaly-intellectual disability-sensorineural hearing loss-epilepsy-abnormal muscle tone syndrome (NEDHSB). Also called: NEURODEVELOPMENTAL DISORDER WITH HEARING LOSS, SEIZURES, AND BRAIN ABNORMALITIES. Identifiers: Orphanet 457351, MedGen C4225276, MONDO:0014698, OMIM 616577.

gnomAD v4.1: 4 of 1,613,950 alleles (0.00025%); highest among the groups gnomAD compares: Admixed American, 0.0067%; no homozygotes.

Submission:

Labcorp Genetics (formerly Invitae), Labcorp
Classification: Likely pathogenic for Microcephaly-intellectual disability-sensorineural hearing loss-epilepsy-abnormal muscle tone syndrome. Last evaluated: 2025-10-28. Review status: criteria provided, single submitter. Criteria: Invitae Variant Classification Sherloc (09022015). Collection method: clinical testing. Allele origin: germline.
Comment: This sequence change replaces aspartic acid, which is acidic and polar, with alanine, which is neutral and non-polar, at codon 628 of the SPATA5 protein (p.Asp628Ala). This variant is present in population databases (no rsID available, gnomAD 0.003%). This variant has not been reported in the literature in individuals affected with SPATA5-related conditions. ClinVar contains an entry for this variant (Variation ID: 1522902). Invitae Evidence Modeling of protein sequence and biophysical properties (such as structural, functional, and spatial information, amino acid conservation, physicochemical variation, residue mobility, and thermodynamic stability) indicates that this missense variant is expected to disrupt SPATA5 protein function with a positive predictive value of 80%. This variant disrupts the p.Asp628 amino acid residue in SPATA5. Other variant(s) that disrupt this residue have been determined to be pathogenic (PMID: 26299366; internal data). This suggests that this residue is clinically significant, and that variants that disrupt this residue are likely to be disease-causing. In summary, the currently available evidence indicates that the variant is pathogenic, but additional data are needed to prove that conclusively. Therefore, this variant has been classified as Likely Pathogenic.

Literature cited by the submitters: PubMed 26299366.